The following is an entry in ClinVar:

ClinVar aggregate classification (germline): Uncertain significance. Review status: criteria provided, multiple submitters, no conflicts (2 of 4 stars). 2 submissions from 2 submitters: Uncertain significance (2). Last evaluated 2026-03-17.

Conditions:
Inborn genetic diseases. Identifiers: MedGen C0950123, MeSH D030342.

gnomAD v4.1: 1 of 1,613,426 alleles (0.000062%); highest among the groups gnomAD compares: Middle Eastern, 0.017%; no homozygotes.

Submissions (2):

Ambry Genetics
Classification: Uncertain significance for Inborn genetic diseases. Last evaluated: 2026-03-17. Review status: criteria provided, single submitter. Criteria: Ambry Variant Classification Scheme 2023. Collection method: clinical testing. Allele origin: germline.

Labcorp Genetics (formerly Invitae), Labcorp
Classification: Uncertain significance. Last evaluated: 2026-01-11. Review status: criteria provided, single submitter. Criteria: Invitae Variant Classification Sherloc (09022015). Collection method: clinical testing. Allele origin: germline.
Comment: This sequence change replaces threonine, which is neutral and polar, with lysine, which is basic and polar, at codon 503 of the HK1 protein (p.Thr503Lys). This variant is not present in population databases (gnomAD no frequency). This variant has not been reported in the literature in individuals affected with HK1-related conditions. Invitae Evidence Modeling of protein sequence and biophysical properties (such as structural, functional, and spatial information, amino acid conservation, physicochemical variation, residue mobility, and thermodynamic stability) indicates that this missense variant is not expected to disrupt HK1 protein function with a negative predictive value of 80%. In summary, the available evidence is currently insufficient to determine the role of this variant in disease. Therefore, it has been classified as a Variant of Uncertain Significance.

NM_000188.3(HK1):c.1508C>A (p.Thr503Lys)

Gene: HK1 (hexokinase 1; plus strand). Cytogenetic location: 10q22.1.
Variant type: single nucleotide variant.
Coding change: c.1508C>A on transcript NM_000188.3 (MANE Select); coding-DNA position 1508, C replaced by A.
Protein change: p.Thr503Lys; replaces threonine 503 with lysine.
Molecular consequence: missense variant. On other transcripts: non-coding transcript variant (2).
Genome position (GRCh38, 1-based): chr10:69,382,729, C>A. VCF-style: chr10-69382729-C-A. GRCh37 (hg19) VCF-style: chr10-71142485-C-A.
Other names: c.1520C>A, p.Thr507Lys (NM_001322364.2, NM_001358263.1, NM_033497.3 and 1 more transcripts); c.1613C>A, p.Thr538Lys (NM_001322365.2); c.1424C>A, p.Thr475Lys (NM_001322366.1, NM_001441143.1); c.1412C>A, p.Thr471Lys (NM_001322367.1); c.1508C>A, p.Thr503Lys (NM_001441139.1, NM_001441141.1, NM_001441145.1 and 2 more transcripts); c.1499C>A, p.Thr500Lys (NM_001441140.1); c.1466C>A, p.Thr489Lys (NM_001441142.1); c.1388C>A, p.Thr463Lys (NM_001441144.1); and 9 more; short protein forms T265K, T381K, T475K, T491K, T503K, T290K, T489K, T500K.
Identifiers: ClinVar variation 4768785 (VCV004768785.2).